The following is an entry in ClinVar:

ClinVar aggregate classification (germline): Uncertain significance (1 of 4 stars; one submission).

Conditions:
Inborn genetic diseases. Identifiers: MedGen C0950123, MeSH D030342.

gnomAD v4.1: 2 of 1,613,672 alleles (0.00012%); highest among the groups gnomAD compares: Non-Finnish European, 0.00017%; no homozygotes.

Submission:

Ambry Genetics
Classification: Uncertain significance for Inborn genetic diseases. Last evaluated: 2025-10-28. Review status: criteria provided, single submitter. Criteria: Ambry Variant Classification Scheme 2023. Collection method: clinical testing. Allele origin: germline.
Comment: The p.N530I variant (also known as c.1589A>T), located in coding exon 12 of the BMPR2 gene, results from an A to T substitution at nucleotide position 1589. The asparagine at codon 530 is replaced by isoleucine, an amino acid with dissimilar properties. This amino acid position is conserved. In addition, this alteration is predicted to be deleterious by in silico analysis. Based on the available evidence, the clinical significance of this variant remains unclear.

NM_001204.7(BMPR2):c.1589A>T (p.Asn530Ile)

Gene: BMPR2 (bone morphogenetic protein receptor type 2; plus strand). Cytogenetic location: 2q33.2.
Variant type: single nucleotide variant.
Coding change: c.1589A>T on transcript NM_001204.7 (MANE Select); coding-DNA position 1589, A replaced by T.
Protein change: p.Asn530Ile; replaces asparagine 530 with isoleucine.
Molecular consequence: missense variant.
Genome position (GRCh38, 1-based): chr2:202,555,254, A>T. VCF-style: chr2-202555254-A-T. GRCh37 (hg19) VCF-style: chr2-203419977-A-T.
Other names: short protein forms N530I.
Identifiers: ClinVar variation 4597517 (VCV004597517.1).
Genomic context (GRCh38, chr2:202,555,254, plus strand): 5'-AGAGACAGTTTGTCATAAATGTACGTTCTCAATGTGATACTTTTTTTCTTTCTTTAAGCA[A>T]CCTGTCACATAATAGGCGTGTGCCAAAAATTGGTCCTTATCCAGATTATTCTTCCTCCTC-3'
Protein context (NP_001195.2, residues 520-540): PMSTAMQNER[Asn530Ile]LSHNRRVPKI